The following is an entry in ClinVar:

ClinVar aggregate classification (germline): Pathogenic (1 of 4 stars; one submission).

Conditions:
Hereditary breast ovarian cancer syndrome. Also called: Hereditary breast and ovarian cancer; BRCA1- and BRCA2-Associated Hereditary Breast and Ovarian Cancer; Hereditary breast and ovarian cancer syndrome; Breast and ovarian cancer; Hereditary breast and ovarian cancer syndrome (HBOC); Hereditary breast and/or ovarian cancer syndrome. Identifiers: Orphanet 145, MedGen C0677776, MeSH D061325, MONDO:0003582. Disease mechanism: loss of function.

Submission:

Labcorp Genetics (formerly Invitae), Labcorp
Classification: Pathogenic for Hereditary breast ovarian cancer syndrome. Last evaluated: 2024-03-07. Review status: criteria provided, single submitter. Criteria: Invitae Variant Classification Sherloc (09022015). Collection method: clinical testing. Allele origin: germline.
Comment: This sequence change creates a premature translational stop signal (p.Lys3084*) in the BRCA2 gene. It is expected to result in an absent or disrupted protein product. Loss-of-function variants in BRCA2 are known to be pathogenic (PMID: 20104584). This variant is not present in population databases (gnomAD no frequency). This variant has not been reported in the literature in individuals affected with BRCA2-related conditions. For these reasons, this variant has been classified as Pathogenic.

Literature cited by the submitters: PubMed 20104584.

NM_000059.4(BRCA2):c.9250A>T (p.Lys3084Ter)

Gene: BRCA2 (BRCA2 DNA repair associated; plus strand). Cytogenetic location: 13q13.1.
Variant type: single nucleotide variant.
Coding change: c.9250A>T on transcript NM_000059.4 (MANE Select); coding-DNA position 9250, A replaced by T.
Protein change: p.Lys3084Ter; replaces lysine 3084 with a stop codon.
Molecular consequence: nonsense. On other transcripts: non-coding transcript variant (1).
Genome position (GRCh38, 1-based): chr13:32,380,139, A>T. VCF-style: chr13-32380139-A-T. GRCh37 (hg19) VCF-style: chr13-32954276-A-T.
Other names: c.9154A>T, p.Lys3052Ter (NM_001406719.1); c.9199A>T, p.Lys3067Ter (NM_001406720.1); c.4318A>T, p.Lys1440Ter (NM_001406721.1); c.2833A>T, p.Lys945Ter (NM_001406722.1); short protein forms K945*, K1440*, K3084*, K3052*, K3067*.
Identifiers: ClinVar variation 2816065 (VCV002816065.3), dbSNP rs2137625880, ClinGen allele CA387758688.